The following is an entry in ClinVar:

NM_001291303.3(FAT4):c.7681G>C (p.Val2561Leu)

Gene: FAT4 (FAT atypical cadherin 4; plus strand). Cytogenetic location: 4q28.1.
Variant type: single nucleotide variant.
Coding change: c.7681G>C on transcript NM_001291303.3 (MANE Select); coding-DNA position 7681, G replaced by C.
Protein change: p.Val2561Leu; replaces valine 2561 with leucine.
Molecular consequence: missense variant.
Genome position (GRCh38, 1-based): chr4:125,448,691, G>C. VCF-style: chr4-125448691-G-C. GRCh37 (hg19) VCF-style: chr4-126369846-G-C.
Other names: c.7681G>C, p.Val2561Leu (NM_001291285.3); c.7675G>C, p.Val2559Leu (NM_024582.6); short protein forms V2559L, V2561L.
Identifiers: ClinVar variation 2040733 (VCV002040733.4), dbSNP rs1265915365, ClinGen allele CA358141120.

ClinVar aggregate classification (germline): Uncertain significance (1 of 4 stars; one submission).

gnomAD v4.1: 3 of 1,613,932 alleles (0.00019%); highest among the groups gnomAD compares: Non-Finnish European, 0.00025%; no homozygotes.

Submission:

Labcorp Genetics (formerly Invitae), Labcorp
Classification: Uncertain significance. Last evaluated: 2021-12-12. Review status: criteria provided, single submitter. Criteria: Invitae Variant Classification Sherloc (09022015). Collection method: clinical testing. Allele origin: germline.
Comment: In summary, the available evidence is currently insufficient to determine the role of this variant in disease. Therefore, it has been classified as a Variant of Uncertain Significance. Advanced modeling of protein sequence and biophysical properties (such as structural, functional, and spatial information, amino acid conservation, physicochemical variation, residue mobility, and thermodynamic stability) performed at Invitae indicates that this missense variant is not expected to disrupt FAT4 protein function. This variant has not been reported in the literature in individuals affected with FAT4-related conditions. This variant is not present in population databases (gnomAD no frequency). This sequence change replaces valine, which is neutral and non-polar, with leucine, which is neutral and non-polar, at codon 2559 of the FAT4 protein (p.Val2559Leu).